The following is an entry in ClinVar:

NM_000484.4(APP):c.1770C>T (p.Asn590=)

Gene: APP (amyloid beta precursor protein; minus strand). Cytogenetic location: 21q21.3.
Variant type: single nucleotide variant.
Coding change: c.1770C>T on transcript NM_000484.4 (MANE Select); coding-DNA position 1770, C replaced by T.
Protein change: p.Asn590=; no amino-acid change (asparagine 590 retained).
Molecular consequence: synonymous variant.
Genome position (GRCh38, 1-based): chr21:25,911,880, G>A on the plus strand (C>T on the coding strand, the complement: APP is on the minus strand). VCF-style: chr21-25911880-G-A. GRCh37 (hg19) VCF-style: chr21-27284192-G-A.
Other names: c.1698C>T, p.Asn566= (NM_001136016.3); c.1377C>T, p.Asn459= (NM_001136129.3); c.1602C>T, p.Asn534= (NM_001136130.3, NM_001385253.1); c.1440C>T, p.Asn480= (NM_001136131.3); c.1770C>T, p.Asn590= (NM_001204301.2); c.1713C>T, p.Asn571= (NM_001204302.2, NM_201413.3); c.1545C>T, p.Asn515= (NM_001204303.2, NM_201414.3).
Identifiers: ClinVar variation 2724746 (VCV002724746.4), dbSNP rs200150248, ClinGen allele CA9987203.

ClinVar aggregate classification (germline): Benign/Likely benign. Review status: criteria provided, multiple submitters, no conflicts (2 of 4 stars). 2 submissions from 2 submitters: Benign (1); Likely benign (1). Last evaluated 2024-10-17.

Conditions:
Alzheimer disease. Also called: Presenile and senile dementia; Alzheimer's disease. Identifiers: Orphanet 1020, MedGen C0002395, MeSH D000544, MONDO:0004975, HP:0002511.

Allele frequency attached by ClinVar (database versions not stated): TOPMed 0.00002; gnomAD 0.00006; gnomAD exomes 0.00008; ExAC 0.00016; 1000 Genomes Project 0.00040; 1000 Genomes Project 30x 0.00047.
gnomAD v4.1: 127 of 1,614,156 alleles (0.0079%); highest among the groups gnomAD compares: South Asian, 0.13%; 3 homozygotes.

Submissions (2):

Labcorp Genetics (formerly Invitae), Labcorp
Classification: Benign for Alzheimer disease. Last evaluated: 2024-10-17. Review status: criteria provided, single submitter. Criteria: Invitae Variant Classification Sherloc (09022015). Collection method: clinical testing. Allele origin: germline.

Women's Health and Genetics/Laboratory Corporation of America, LabCorp
Classification: Likely benign. Last evaluated: 2024-08-09. Review status: criteria provided, single submitter. Criteria: LabCorp Variant Classification Summary - May 2015. Collection method: clinical testing. Allele origin: germline.
Comment: Variant summary: APP c.1770C>T alters a conserved nucleotide resulting in a synonymous change. The variant allele was found at a frequency of 7.9e-05 in 1614156 control chromosomes in the gnomAD database, including 3 homozygotes. This frequency is not significantly higher than estimated for a pathogenic variant in APP causing Cerebral Amyloid Angiopathy, APP-Related, allowing no conclusion about variant significance. To our knowledge, no occurrence of c.1770C>T in individuals affected with Cerebral Amyloid Angiopathy, APP-Related and no experimental evidence demonstrating its impact on protein function have been reported. ClinVar contains an entry for this variant (Variation ID: 2724746). Based on the evidence outlined above, the variant was classified as likely benign.